The following is an entry in ClinVar:

NM_003737.4(DCHS1):c.4819T>C (p.Leu1607=)

Gene: DCHS1 (dachsous cadherin-related 1; minus strand). Cytogenetic location: 11p15.4.
Variant type: single nucleotide variant.
Coding change: c.4819T>C on transcript NM_003737.4 (MANE Select); coding-DNA position 4819, T replaced by C.
Protein change: p.Leu1607=; no amino-acid change (leucine 1607 retained).
Molecular consequence: synonymous variant.
Genome position (GRCh38, 1-based): chr11:6,629,888, A>G on the plus strand (T>C on the coding strand, the complement: DCHS1 is on the minus strand). VCF-style: chr11-6629888-A-G. GRCh37 (hg19) VCF-style: chr11-6651119-A-G.
Identifiers: ClinVar variation 1210608 (VCV001210608.34), dbSNP rs374664957, ClinGen allele CA5860259.

ClinVar aggregate classification (germline): Likely benign. Review status: criteria provided, multiple submitters, no conflicts (2 of 4 stars). 5 submissions from 5 submitters: Likely benign (5). Last evaluated 2025-05-30.

Allele frequency attached by ClinVar (database versions not stated): gnomAD exomes 0.00001; ExAC 0.00002; TOPMed 0.00002; gnomAD 0.00003 and 0.00004; ESP Exome Variant Server 0.00008.
gnomAD v4.1: 44 of 1,612,584 alleles (0.0027%); highest among the groups gnomAD compares: African/African-American, 0.027%; no homozygotes.

Submissions (5):

Labcorp Genetics (formerly Invitae), Labcorp
Classification: Likely benign. Last evaluated: 2025-05-30. Review status: criteria provided, single submitter. Criteria: Invitae Variant Classification Sherloc (09022015). Collection method: clinical testing. Allele origin: germline.

CeGaT Center for Human Genetics Tuebingen
Classification: Likely benign. Last evaluated: 2024-07-01. Review status: criteria provided, single submitter. Criteria: CeGaT Center For Human Genetics Tuebingen Variant Classification Criteria Version 2. Collection method: clinical testing. Allele origin: germline. Affected: yes. Observed: 2 variant alleles.
Comment: DCHS1: BP4, BP7

Blueprint Genetics
Classification: Likely benign. Last evaluated: 2024-02-20. Review status: criteria provided, single submitter. Criteria: ACMG Guidelines, 2015. Collection method: clinical testing. Allele origin: germline.

GeneDx
Classification: Likely benign. Last evaluated: 2020-07-21. Review status: criteria provided, single submitter. Criteria: GeneDx Variant Classification Process June 2021. Collection method: clinical testing. Allele origin: germline. Affected: yes.

Breakthrough Genomics
Classification: Likely benign. Review status: criteria provided, single submitter. Criteria: ACMG Guidelines, 2015. Collection method: not provided. Allele origin: germline. Inheritance: Autosomal recessive inheritance. Affected: yes.